The following is an entry in ClinVar:

NM_024757.5(EHMT1):c.526C>G (p.Pro176Ala)

Gene: EHMT1 (euchromatic histone lysine methyltransferase 1; plus strand). Cytogenetic location: 9q34.3.
Variant type: single nucleotide variant.
Coding change: c.526C>G on transcript NM_024757.5 (MANE Select); coding-DNA position 526, C replaced by G.
Protein change: p.Pro176Ala; replaces proline 176 with alanine.
Molecular consequence: missense variant.
Genome position (GRCh38, 1-based): chr9:137,717,066, C>G. VCF-style: chr9-137717066-C-G. GRCh37 (hg19) VCF-style: chr9-140611518-C-G.
Other names: c.526C>G, p.Pro176Ala (NM_001145527.2, NM_001354263.2, NM_001354611.2); c.433C>G, p.Pro145Ala (NM_001354259.2, NM_001354612.2); short protein forms P176A, P145A.
Identifiers: ClinVar variation 570292 (VCV000570292.9), dbSNP rs34704821, ClinGen allele CA375765590.

ClinVar aggregate classification (germline): Uncertain significance. Review status: criteria provided, multiple submitters, no conflicts (2 of 4 stars). 2 submissions from 2 submitters: Uncertain significance (2). Last evaluated 2022-12-15.

Conditions:
Kleefstra syndrome 1 (KLEFS1). Identifiers: Orphanet 261494, MedGen C0795833, MONDO:0027407, OMIM 610253.

gnomAD v4.1: 10 of 1,607,690 alleles (0.00062%); highest among the groups gnomAD compares: East Asian, 0.0045%; no homozygotes.

Submissions (2):

Labcorp Genetics (formerly Invitae), Labcorp
Classification: Uncertain significance for Kleefstra syndrome 1. Last evaluated: 2022-12-15. Review status: criteria provided, single submitter. Criteria: Invitae Variant Classification Sherloc (09022015). Collection method: clinical testing. Allele origin: germline.
Comment: This sequence change replaces proline, which is neutral and non-polar, with alanine, which is neutral and non-polar, at codon 176 of the EHMT1 protein (p.Pro176Ala). This variant is not present in population databases (gnomAD no frequency). This variant has not been reported in the literature in individuals affected with EHMT1-related conditions. ClinVar contains an entry for this variant (Variation ID: 570292). Algorithms developed to predict the effect of missense changes on protein structure and function output the following: SIFT: "Tolerated"; PolyPhen-2: "Benign"; Align-GVGD: "Class C0". The alanine amino acid residue is found in multiple mammalian species, which suggests that this missense change does not adversely affect protein function. In summary, the available evidence is currently insufficient to determine the role of this variant in disease. Therefore, it has been classified as a Variant of Uncertain Significance.

Department of Pathology and Laboratory Medicine, Sinai Health System
Classification: Uncertain significance for Kleefstra syndrome 1. Last evaluated: 2022-10-07. Review status: criteria provided, single submitter. Criteria: ACMG Guidelines, 2015. Collection method: research. Allele origin: germline.